The following is an entry in ClinVar:

ClinVar aggregate classification (germline): Likely pathogenic (1 of 4 stars; one submission).

Submission:

Dasa
Classification: Likely pathogenic. Last evaluated: 2026-02-03. Review status: criteria provided, single submitter. Criteria: DASA Assertion Criteria. Collection method: clinical testing. Allele origin: germline.
Comment: NM_023067.4(FOXL2):c.40del (p.Ala14Profs*136) is a frameshift variant in FOXL2 predicted to alter the reading frame and introduce a premature termination codon and is predicted to result in an absent or altered protein product. Loss of function is an established disease mechanism for FOXL2 (PMID: 28924383; PMID: 15962237; PMID: 20232352). Segregation data support an association with disease in the reported family/families (PMID: 18642388). This variant has been reported in individuals with FOXL2-related disorders (PMID: 18642388). Also, this variant is absent from population databases. Based on the currently available evidence, this variant is classified as likely pathogenic.

Literature cited by the submitters: PubMed 18642388; PubMed 28924383; PubMed 15962237; PubMed 20232352.

NM_023067.4(FOXL2):c.40del (p.Ala14fs)

Gene: FOXL2 (forkhead box L2; minus strand). Cytogenetic location: 3q22.3.
Variant type: Deletion.
Coding change: c.40del on transcript NM_023067.4 (MANE Select); coding-DNA position 40, one base deleted (G; older notation c.40delG).
Protein change: p.Ala14fs; shifts the reading frame from alanine 14.
Molecular consequence: frameshift variant.
Genome position (GRCh38, 1-based): chr3:138,946,683, C deleted on the plus strand (G on the coding strand, the reverse complement: FOXL2 is on the minus strand); the first of 5 consecutive C bases (chr3:138,946,683-138,946,687); deleting any one gives the same sequence. VCF-style (leftmost placement, unchanged base first): chr3-138946682-GC-G. GRCh37 (hg19) VCF-style: chr3-138665524-GC-G.
Other names: short protein forms A14fs.
Identifiers: ClinVar variation 4886468 (VCV004886468.2).